The following is an entry in ClinVar:

NM_006118.4(HAX1):c.579G>C (p.Gln193His)

Gene: HAX1 (HCLS1 associated protein X-1; plus strand). Cytogenetic location: 1q21.3.
Variant type: single nucleotide variant.
Coding change: c.579G>C on transcript NM_006118.4 (MANE Select); coding-DNA position 579, G replaced by C.
Protein change: p.Gln193His; replaces glutamine 193 with histidine.
Molecular consequence: missense variant.
Genome position (GRCh38, 1-based): chr1:154,275,176, G>C. VCF-style: chr1-154275176-G-C. GRCh37 (hg19) VCF-style: chr1-154247652-G-C.
Other names: c.435G>C, p.Gln145His (NM_001018837.2); short protein forms Q193H, Q145H.
Identifiers: ClinVar variation 4033866 (VCV004033866.1).

ClinVar aggregate classification (germline): Uncertain significance (1 of 4 stars; one submission).

Conditions:
Inborn genetic diseases. Identifiers: MedGen C0950123, MeSH D030342.

Submission:

Ambry Genetics
Classification: Uncertain significance for Inborn genetic diseases. Last evaluated: 2025-05-29. Review status: criteria provided, single submitter. Criteria: Ambry Variant Classification Scheme 2023. Collection method: clinical testing. Allele origin: germline.
Comment: The p.Q193H variant (also known as c.579G>C), located in coding exon 5 of the HAX1 gene, results from a G to C substitution at nucleotide position 579. The glutamine at codon 193 is replaced by histidine, an amino acid with highly similar properties. This amino acid position is conserved. In addition, this alteration is predicted to be tolerated by in silico analysis. Based on the available evidence, the clinical significance of this variant remains unclear.